The following is an entry in ClinVar:

ClinVar aggregate classification (germline): Uncertain significance (1 of 4 stars; one submission).

Allele frequency attached by ClinVar (database versions not stated): gnomAD 0.00004; gnomAD exomes 0.00004; TOPMed 0.00004; ExAC 0.00005; 1000 Genomes Project 30x 0.00031.
gnomAD v4.1: 43 of 1,549,184 alleles (0.0028%); highest among the groups gnomAD compares: Middle Eastern, 0.017%; no homozygotes.

Submission:

GeneDx
Classification: Uncertain significance. Last evaluated: 2021-03-03. Review status: criteria provided, single submitter. Criteria: GeneDx Variant Classification Process June 2021. Collection method: clinical testing. Allele origin: germline. Affected: yes.
Comment: In silico analysis, which includes protein predictors and evolutionary conservation, supports a deleterious effect; Has not been previously published as pathogenic or benign to our knowledge

NM_001142864.4(PIEZO1):c.3106C>T (p.Arg1036Cys)

Genes: HSALR1 (HSP90AB1 associated lncRNA 1; plus strand), PIEZO1 (piezo type mechanosensitive ion channel component 1 (Er blood group); minus strand). Cytogenetic location: 16q24.3.
Variant type: single nucleotide variant.
Coding change: c.3106C>T on transcript NM_001142864.4 (MANE Select); coding-DNA position 3106, C replaced by T.
Protein change: p.Arg1036Cys; replaces arginine 1036 with cysteine.
Molecular consequence: missense variant.
Genome position (GRCh38, 1-based): chr16:88,731,796, G>A on the plus strand (C>T on the coding strand, the complement: PIEZO1 is on the minus strand). VCF-style: chr16-88731796-G-A. GRCh37 (hg19) VCF-style: chr16-88798204-G-A.
Other names: short protein forms R1036C.
Identifiers: ClinVar variation 1309344 (VCV001309344.2), dbSNP rs775153962, ClinGen allele CA8232565.
Genomic context (GRCh38, chr16:88,731,796, plus strand): 5'-ACAGCAGGTACTGGTACAGCAGGAACAGCGCCAGGAAGAGGCAGTAGTTGGGCCAGAGGC[G>A]GGCAATGGCCTGGCGGTGCCTGCGGGTGAGGATGGCCACCAGCCAGCAACCGTGCAGGGT-3'
Protein context (NP_001136336.2, residues 1026-1046): LTRRHRQAIA[Arg1036Cys]LWPNYCLFLA